The following is an entry in ClinVar:

ClinVar aggregate classification (germline): Uncertain significance (1 of 4 stars; one submission).

Conditions:
Arrhythmogenic cardiomyopathy with wooly hair and keratoderma. Also called: Carvajal syndrome; PALMOPLANTAR KERATODERMA WITH LEFT VENTRICULAR CARDIOMYOPATHY AND WOOLLY HAIR; Dilated cardiomyopathy with woolly hair and keratoderma; Arrhythmogenic cardiomyopathy with woolly hair and keratoderma. Identifiers: Orphanet 65282, MedGen C1854063, MONDO:0011581, OMIM 605676.
Arrhythmogenic right ventricular dysplasia 8 (ARVD8). Also called: ARRHYTHMOGENIC RIGHT VENTRICULAR DYSPLASIA, FAMILIAL, 8; ARRHYTHMOGENIC RIGHT VENTRICULAR CARDIOMYOPATHY 8; Arrhythmogenic Right Ventricular Dysplasia/Cardiomyopathy 8. Identifiers: MedGen C1843896, MONDO:0011831, OMIM 607450.

Submission:

Labcorp Genetics (formerly Invitae), Labcorp
Classification: Uncertain significance for Arrhythmogenic cardiomyopathy with wooly hair and keratoderma; Arrhythmogenic right ventricular dysplasia 8. Last evaluated: 2025-07-27. Review status: criteria provided, single submitter. Criteria: Invitae Variant Classification Sherloc (09022015). Collection method: clinical testing. Allele origin: germline.
Comment: This sequence change replaces glutamic acid, which is acidic and polar, with lysine, which is basic and polar, at codon 190 of the DSP protein (p.Glu190Lys). This variant is not present in population databases (gnomAD no frequency). This variant has not been reported in the literature in individuals affected with DSP-related conditions. ClinVar contains an entry for this variant (Variation ID: 950279). An algorithm developed to predict the effect of missense changes on protein structure and function (PolyPhen-2) suggests that this variant is likely to be tolerated. In summary, the available evidence is currently insufficient to determine the role of this variant in disease. Therefore, it has been classified as a Variant of Uncertain Significance.

NM_004415.4(DSP):c.568G>A (p.Glu190Lys)

Gene: DSP (desmoplakin; plus strand). Cytogenetic location: 6p24.3.
Variant type: single nucleotide variant.
Coding change: c.568G>A on transcript NM_004415.4 (MANE Select); coding-DNA position 568, G replaced by A.
Protein change: p.Glu190Lys; replaces glutamic acid 190 with lysine.
Molecular consequence: missense variant.
Genome position (GRCh38, 1-based): chr6:7,559,371, G>A. VCF-style: chr6-7559371-G-A. GRCh37 (hg19) VCF-style: chr6-7559604-G-A.
Other names: c.568G>A, p.Glu190Lys (NM_001008844.3, NM_001319034.2); short protein forms E190K.
Identifiers: ClinVar variation 950279 (VCV000950279.10), dbSNP rs1758608184, ClinGen allele CA362672769.